The following is an entry in ClinVar:

NM_015080.4(NRXN2):c.1915C>G (p.Leu639Val)

Gene: NRXN2 (neurexin 2; minus strand). Cytogenetic location: 11q13.1.
Variant type: single nucleotide variant.
Coding change: c.1915C>G on transcript NM_015080.4 (MANE Select); coding-DNA position 1915, C replaced by G.
Protein change: p.Leu639Val; replaces leucine 639 with valine.
Molecular consequence: missense variant.
Genome position (GRCh38, 1-based): chr11:64,661,023, G>C on the plus strand (C>G on the coding strand, the complement: NRXN2 is on the minus strand). VCF-style: chr11-64661023-G-C. GRCh37 (hg19) VCF-style: chr11-64428495-G-C.
Other names: c.1915C>G, p.Leu639Val (NM_001376262.1); c.1894C>G, p.Leu632Val (NM_001376263.1, NM_001376267.1); c.1870C>G, p.Leu624Val (NM_001376265.1); c.1891C>G, p.Leu631Val (NM_001376266.1); c.1822C>G, p.Leu608Val (NM_138732.3); short protein forms L608V, L624V, L631V, L632V, L639V.
Identifiers: ClinVar variation 3338591 (VCV003338591.1).

ClinVar aggregate classification (germline): Uncertain significance (1 of 4 stars; one submission).

Submission:

Greenwood Genetic Center Diagnostic Laboratories, Greenwood Genetic Center
Classification: Uncertain significance. Last evaluated: 2024-04-18. Review status: criteria provided, single submitter. Criteria: ACMG Guidelines, 2015. Collection method: clinical testing. Allele origin: germline. Affected: yes.
Comment: Gene of Uncertain Significance